The following continues an entry in ClinVar:

NM_007294.4(BRCA1):c.3005del (p.Asn1002fs)

Gene: BRCA1. ClinVar aggregate classification (germline): Pathogenic. Pathogenic (1).

Submissions 11 to 20 of 20:

Women's Health and Genetics/Laboratory Corporation of America, LabCorp
Classification: Pathogenic for Hereditary breast and ovarian cancer syndrome. Last evaluated: 2020-12-27. Review status: criteria provided, single submitter. Criteria: LabCorp Variant Classification Summary - May 2015. Collection method: clinical testing. Allele origin: germline. Not counted in ClinVar's aggregate classification.
Comment: Variant summary: BRCA1 c.3005delA (p.Asn1002ThrfsX22) results in a premature termination codon, predicted to cause a truncation of the encoded protein or absence of the protein due to nonsense mediated decay, which are commonly known mechanisms for disease. Truncations downstream of this position have been classified as pathogenic by our laboratory. The variant allele was found at a frequency of 3.9e-06 in 255218 control chromosomes. c.3005delA has been reported in the literature in multiple individuals affected with Hereditary Breast And Ovarian Cancer Syndrome (example, Rebbeck_2018). These data indicate that the variant is very likely to be associated with disease. To our knowledge, no experimental evidence demonstrating an impact on protein function has been reported. Seven clinical diagnostic laboratories and one expert panel (ENIGMA) have submitted clinical-significance assessments for this variant to ClinVar after 2014 without evidence for independent evaluation. All submitters classified the variant as pathogenic. Based on the evidence outlined above, the variant was classified as pathogenic.

Laboratory for Molecular Medicine, Mass General Brigham Personalized Medicine
Classification: Pathogenic for Hereditary breast ovarian cancer syndrome. Last evaluated: 2017-01-27. Review status: criteria provided, single submitter. Criteria: ACMG Guidelines, 2015. Collection method: clinical testing. Allele origin: germline. Inheritance: Autosomal dominant inheritance. Not counted in ClinVar's aggregate classification.
Comment: The p.Asn1002fs variant in BRCA1 has been reported in >20 individuals with BRCA1-associated cancers (Simard 1994, Breast Cancer Information Core (BIC) database) and was absent from large population studies. This variant is predicted to cause a frameshift, which alters the protein’s amino acid sequence beginning at position 1002 and leads to a premature termination codon 22 amino acids downstream. This alteration is then predicted to lead to a truncated or absent protein. Heterozygous loss of function of function of the BRCA1 gene is an established disease mechanism in hereditary breast and ovarian cancer (HBOC). In addition, this variant was classified as Pathogenic on September 8, 2016 by the ClinGen-approved ENIGMA expert panel (ClinVar SCV000299869.2). In summary, the p.Asn1002fs variant meets criteria to be classified as pathogenic for HBOC in an autosomal dominant manner.

Consortium of Investigators of Modifiers of BRCA1/2 (CIMBA), c/o University of Cambridge
Classification: Pathogenic for Breast-ovarian cancer, familial, susceptibility to, 1. Last evaluated: 2015-10-02. Review status: criteria provided, single submitter. Criteria: CIMBA Mutation Classification guidelines May 2016. Collection method: clinical testing. Allele origin: germline. Not counted in ClinVar's aggregate classification.

Department of Medical Genetics, Oslo University Hospital
Classification: Pathogenic for Breast-ovarian cancer, familial, susceptibility to, 1. Last evaluated: 2015-07-01. Review status: criteria provided, single submitter. Criteria: ACMG Guidelines, 2015. Collection method: clinical testing. Allele origin: germline. Affected: yes. Observed: 1 variant allele. Not counted in ClinVar's aggregate classification.

Counsyl
Classification: Pathogenic for Breast-ovarian cancer, familial 1. Last evaluated: 2014-07-16. Review status: no assertion criteria provided. Collection method: literature only. Allele origin: unknown. Inheritance: Autosomal dominant inheritance. Not counted in ClinVar's aggregate classification.

Research Molecular Genetics Laboratory, Women's College Hospital, University of Toronto
Classification: Pathogenic for Hereditary breast ovarian cancer syndrome. Last evaluated: 2014-01-31. Review status: no assertion criteria provided. Collection method: research. Allele origin: germline. Affected: yes. Study: The Canadian Open Genetics Repository (COGR). Not counted in ClinVar's aggregate classification.

Sharing Clinical Reports Project (SCRP)
Classification: Pathogenic for Breast-ovarian cancer, familial 1. Last evaluated: 2011-12-22. Review status: no assertion criteria provided. Collection method: clinical testing. Allele origin: germline. Not counted in ClinVar's aggregate classification.

Breast Cancer Information Core (BIC) (BRCA1)
Classification: Pathogenic for Breast-ovarian cancer, familial 1. Last evaluated: 2002-05-29. Review status: no assertion criteria provided. Collection method: clinical testing. Allele origin: germline. Affected: yes. Observed: 17 variant alleles. Not counted in ClinVar's aggregate classification.

OMIM
Classification: Pathogenic for BREAST-OVARIAN CANCER, FAMILIAL, SUSCEPTIBILITY TO, 1. Last evaluated: 1994-12-01. Review status: no assertion criteria provided. Collection method: literature only. Allele origin: germline. Not counted in ClinVar's aggregate classification.

Department of Pathology and Laboratory Medicine, Sinai Health System
Classification: Pathogenic. Review status: no assertion criteria provided. Collection method: clinical testing. Allele origin: unknown. Affected: yes. Observed: 1 variant allele. Study: The Canadian Open Genetics Repository (COGR). Not counted in ClinVar's aggregate classification.

Literature cited by the submitters: PubMed 20104584 (cited by 4 submitters); PubMed 7894492 (cited by 7 submitters); PubMed 17688236 (cited by 4 submitters); PubMed 24728189 (cited by 5 submitters); PubMed 25452441 (cited by 4 submitters); PubMed 16912212 (cited by 3 submitters); PubMed 29446198 (cited by 3 submitters); PubMed 26295337 (cited by Quest Diagnostics Nichols Institute San Juan Capistrano); PubMed 7837387 (cited by All of Us Research Program, National Institutes of Health); PubMed 10486320 (cited by All of Us Research Program, National Institutes of Health and Women's Health and Genetics/Laboratory Corporation of America, LabCorp); PubMed 7493024 (cited by Women's Health and Genetics/Laboratory Corporation of America, LabCorp).